The following is an entry in ClinVar:

NM_006073.4(TRDN):c.1141A>G (p.Lys381Glu)

Gene: TRDN (triadin; minus strand). Cytogenetic location: 6q22.31.
Variant type: single nucleotide variant.
Coding change: c.1141A>G on transcript NM_006073.4 (MANE Select); coding-DNA position 1141, A replaced by G.
Protein change: p.Lys381Glu; replaces lysine 381 with glutamic acid.
Molecular consequence: missense variant.
Genome position (GRCh38, 1-based): chr6:123,382,142, T>C on the plus strand (A>G on the coding strand, the complement: TRDN is on the minus strand). VCF-style: chr6-123382142-T-C. GRCh37 (hg19) VCF-style: chr6-123703287-T-C.
Other names: c.1144A>G, p.Lys382Glu (NM_001251987.2); c.1084A>G, p.Lys362Glu (NM_001407315.1); short protein forms K381E, K382E, K362E.
Identifiers: ClinVar variation 1731401 (VCV001731401.2), dbSNP rs2533852425, ClinGen allele CA365566782.

ClinVar aggregate classification (germline): Uncertain significance (1 of 4 stars; one submission).

Conditions:
Cardiovascular phenotype. Identifiers: MedGen CN230736.

Allele frequency attached by ClinVar (database versions not stated): gnomAD exomes 0.00001.

Submission:

Ambry Genetics
Classification: Uncertain significance for Cardiovascular phenotype. Last evaluated: 2018-09-17. Review status: criteria provided, single submitter. Criteria: Ambry Variant Classification Scheme 2023. Collection method: clinical testing. Allele origin: germline.
Comment: The p.K381E variant (also known as c.1141A>G), located in coding exon 15 of the TRDN gene, results from an A to G substitution at nucleotide position 1141. The lysine at codon 381 is replaced by glutamic acid, an amino acid with similar properties. This amino acid position is highly conserved in available vertebrate species. In addition, this alteration is predicted to be tolerated by in silico analysis. Since supporting evidence is limited at this time, the clinical significance of this alteration remains unclear.